The following is an entry in ClinVar:

ClinVar aggregate classification (germline): Uncertain significance (1 of 4 stars; one submission).

Conditions:
Charcot-Marie-Tooth disease type 2R. Also called: CHARCOT-MARIE-TOOTH DISEASE, AXONAL, AUTOSOMAL RECESSIVE, TYPE 2R; Charcot-Marie-Tooth disease, axonal, type 2R; CHARCOT-MARIE-TOOTH NEUROPATHY, TYPE 2R. Identifiers: Orphanet 397968, MedGen C3809655, MONDO:0014208, OMIM 615490.

gnomAD v4.1: 1 of 1,614,070 alleles (0.000062%); highest among the groups gnomAD compares: Non-Finnish European, 0.000085%; no homozygotes.

Submission:

Labcorp Genetics (formerly Invitae), Labcorp
Classification: Uncertain significance for Charcot-Marie-Tooth disease type 2R. Last evaluated: 2024-02-03. Review status: criteria provided, single submitter. Criteria: Invitae Variant Classification Sherloc (09022015). Collection method: clinical testing. Allele origin: germline.
Comment: This sequence change creates a premature translational stop signal (p.Arg413*) in the TRIM2 gene. It is expected to result in an absent or disrupted protein product. However, the current clinical and genetic evidence is not sufficient to establish whether loss-of-function variants in TRIM2 cause disease. This variant is not present in population databases (gnomAD no frequency). This variant has not been reported in the literature in individuals affected with TRIM2-related conditions. In summary, the available evidence is currently insufficient to determine the role of this variant in disease. Therefore, it has been classified as a Variant of Uncertain Significance.

NM_015271.5(TRIM2):c.1318C>T (p.Arg440Ter)

Gene: TRIM2 (tripartite motif containing 2; plus strand). Cytogenetic location: 4q31.3.
Variant type: single nucleotide variant.
Coding change: c.1318C>T on transcript NM_015271.5 (MANE Select); coding-DNA position 1318, C replaced by T.
Protein change: p.Arg440Ter; replaces arginine 440 with a stop codon.
Molecular consequence: nonsense.
Genome position (GRCh38, 1-based): chr4:153,295,844, C>T. VCF-style: chr4-153295844-C-T. GRCh37 (hg19) VCF-style: chr4-154216996-C-T.
Other names: c.1237C>T, p.Arg413Ter (NM_001130067.2, NM_001351056.2, NM_001375512.1 and 5 more transcripts); c.1291C>T, p.Arg431Ter (NM_001351054.2); c.1288C>T, p.Arg430Ter (NM_001351055.2); c.862C>T, p.Arg288Ter (NM_001351057.2); c.1411C>T, p.Arg471Ter (NM_001375488.1); c.1408C>T, p.Arg470Ter (NM_001375489.1); c.1261C>T, p.Arg421Ter (NM_001375490.1); c.1258C>T, p.Arg420Ter (NM_001375491.1); and 3 more; short protein forms R288*, R327*, R328*, R329*, R413*, R420*, R421*, R430*.
Identifiers: ClinVar variation 3623547 (VCV003623547.2).